The following is an entry in ClinVar:

ClinVar aggregate classification (germline): Uncertain significance (1 of 4 stars; one submission).

Submission:

Labcorp Genetics (formerly Invitae), Labcorp
Classification: Uncertain significance. Last evaluated: 2022-07-12. Review status: criteria provided, single submitter. Criteria: Invitae Variant Classification Sherloc (09022015). Collection method: clinical testing. Allele origin: germline.
Comment: This sequence change replaces serine, which is neutral and polar, with phenylalanine, which is neutral and non-polar, at codon 1308 of the TTC37 protein (p.Ser1308Phe). This variant is not present in population databases (gnomAD no frequency). This variant has not been reported in the literature in individuals affected with TTC37-related conditions. ClinVar contains an entry for this variant (Variation ID: 1352985). Algorithms developed to predict the effect of missense changes on protein structure and function are either unavailable or do not agree on the potential impact of this missense change (SIFT: "Deleterious"; PolyPhen-2: "Possibly Damaging"; Align-GVGD: "Class C0"). In summary, the available evidence is currently insufficient to determine the role of this variant in disease. Therefore, it has been classified as a Variant of Uncertain Significance.

NM_014639.4(SKIC3):c.3923C>T (p.Ser1308Phe)

Gene: SKIC3 (SKI3 subunit of superkiller complex; minus strand). Cytogenetic location: 5q15.
Variant type: single nucleotide variant.
Coding change: c.3923C>T on transcript NM_014639.4 (MANE Select); coding-DNA position 3923, C replaced by T.
Protein change: p.Ser1308Phe; replaces serine 1308 with phenylalanine.
Molecular consequence: missense variant.
Genome position (GRCh38, 1-based): chr5:95,490,916, G>A on the plus strand (C>T on the coding strand, the complement: SKIC3 is on the minus strand). VCF-style: chr5-95490916-G-A. GRCh37 (hg19) VCF-style: chr5-94826620-G-A.
Other names: short protein forms S1308F.
Identifiers: ClinVar variation 1352985 (VCV001352985.8), dbSNP rs2112259925, ClinGen allele CA360447632.